The following is an entry in ClinVar:

NM_004369.4(COL6A3):c.7069G>A (p.Asp2357Asn)

Gene: COL6A3 (collagen type VI alpha 3 chain; minus strand). Cytogenetic location: 2q37.3.
Variant type: single nucleotide variant.
Coding change: c.7069G>A on transcript NM_004369.4 (MANE Select); coding-DNA position 7069, G replaced by A.
Protein change: p.Asp2357Asn; replaces aspartic acid 2357 with asparagine.
Molecular consequence: missense variant.
Genome position (GRCh38, 1-based): chr2:237,346,526, C>T on the plus strand (G>A on the coding strand, the complement: COL6A3 is on the minus strand). VCF-style: chr2-237346526-C-T. GRCh37 (hg19) VCF-style: chr2-238255169-C-T.
Other names: c.5248G>A, p.Asp1750Asn (NM_057166.5); c.6451G>A, p.Asp2151Asn (NM_057167.4); short protein forms D1750N, D2151N, D2357N.
Identifiers: ClinVar variation 1804457 (VCV001804457.4), dbSNP rs2469822002, ClinGen allele CA351206372.

ClinVar aggregate classification (germline): Uncertain significance. Review status: criteria provided, multiple submitters, no conflicts (2 of 4 stars). 2 submissions from 2 submitters: Uncertain significance (2). Last evaluated 2023-11-06.

Conditions:
Bethlem myopathy 1A. Also called: Bethlem myopathy 1; MYOPATHY, BENIGN CONGENITAL, WITH CONTRACTURES; Bethlem Muscular Dystrophy. Identifiers: Orphanet 610, MedGen CN029274, MONDO:0024530, OMIM 158810.

gnomAD v4.1: 1 of 1,614,046 alleles (0.000062%); no homozygotes.

Submissions (2):

Labcorp Genetics (formerly Invitae), Labcorp
Classification: Uncertain significance for Bethlem myopathy 1A. Last evaluated: 2023-11-06. Review status: criteria provided, single submitter. Criteria: Invitae Variant Classification Sherloc (09022015). Collection method: clinical testing. Allele origin: germline.
Comment: This sequence change replaces aspartic acid, which is acidic and polar, with asparagine, which is neutral and polar, at codon 2357 of the COL6A3 protein (p.Asp2357Asn). This variant is not present in population databases (gnomAD no frequency). This variant has not been reported in the literature in individuals affected with COL6A3-related conditions. ClinVar contains an entry for this variant (Variation ID: 1804457). Advanced modeling of protein sequence and biophysical properties (such as structural, functional, and spatial information, amino acid conservation, physicochemical variation, residue mobility, and thermodynamic stability) performed at Invitae indicates that this missense variant is not expected to disrupt COL6A3 protein function with a negative predictive value of 80%. In summary, the available evidence is currently insufficient to determine the role of this variant in disease. Therefore, it has been classified as a Variant of Uncertain Significance.

GeneDx
Classification: Uncertain significance. Last evaluated: 2022-06-16. Review status: criteria provided, single submitter. Criteria: GeneDx Variant Classification Process June 2021. Collection method: clinical testing. Allele origin: germline. Affected: yes.
Comment: Not observed at significant frequency in large population cohorts (gnomAD); In silico analysis supports that this missense variant has a deleterious effect on protein structure/function; Has not been previously published as pathogenic or benign to our knowledge